The following is an entry in ClinVar:

NM_022489.4(INF2):c.923G>A (p.Ser308Asn)

Gene: INF2 (inverted formin 2; plus strand). Cytogenetic location: 14q32.33.
Variant type: single nucleotide variant.
Coding change: c.923G>A on transcript NM_022489.4 (MANE Select); coding-DNA position 923, G replaced by A.
Protein change: p.Ser308Asn; replaces serine 308 with asparagine.
Molecular consequence: missense variant.
Genome position (GRCh38, 1-based): chr14:104,706,989, G>A. VCF-style: chr14-104706989-G-A. GRCh37 (hg19) VCF-style: chr14-105173326-G-A.
Other names: c.923G>A, p.Ser308Asn (NM_001031714.4); short protein forms S308N.
Identifiers: ClinVar variation 2179416 (VCV002179416.4), dbSNP rs1466753309, ClinGen allele CA391215287.

ClinVar aggregate classification (germline): Uncertain significance (1 of 4 stars; one submission).

Conditions:
Focal segmental glomerulosclerosis 5 (FSGS5). Identifiers: Orphanet 656, MedGen C2750475, MONDO:0013191, OMIM 613237.
Charcot-Marie-Tooth disease dominant intermediate E. Also called: CHARCOT-MARIE-TOOTH NEUROPATHY WITH FOCAL SEGMENTAL GLOMERULONEPHRITIS. Identifiers: Orphanet 93114, MedGen C4302667, MONDO:0013758, OMIM 614455.

Allele frequency attached by ClinVar (database versions not stated): gnomAD 0.00001; TOPMed 0.00001.
gnomAD v4.1: 19 of 1,598,744 alleles (0.0012%); highest among the groups gnomAD compares: Non-Finnish European, 0.0015%; no homozygotes.

Submission:

Labcorp Genetics (formerly Invitae), Labcorp
Classification: Uncertain significance for Charcot-Marie-Tooth disease dominant intermediate E; Focal segmental glomerulosclerosis 5. Last evaluated: 2023-12-06. Review status: criteria provided, single submitter. Criteria: Invitae Variant Classification Sherloc (09022015). Collection method: clinical testing. Allele origin: germline.
Comment: This sequence change replaces serine, which is neutral and polar, with asparagine, which is neutral and polar, at codon 308 of the INF2 protein (p.Ser308Asn). This variant is not present in population databases (gnomAD no frequency). This variant has not been reported in the literature in individuals affected with INF2-related conditions. ClinVar contains an entry for this variant (Variation ID: 2179416). Advanced modeling of protein sequence and biophysical properties (such as structural, functional, and spatial information, amino acid conservation, physicochemical variation, residue mobility, and thermodynamic stability) performed at Invitae indicates that this missense variant is not expected to disrupt INF2 protein function with a negative predictive value of 95%. In summary, the available evidence is currently insufficient to determine the role of this variant in disease. Therefore, it has been classified as a Variant of Uncertain Significance.